The following is an entry in ClinVar:

ClinVar aggregate classification (germline): Likely benign. Review status: criteria provided, multiple submitters, no conflicts (2 of 4 stars). 2 submissions from 2 submitters: Likely benign (2). Last evaluated 2026-01-05.

Conditions:
3-methylglutaconic aciduria with deafness, encephalopathy, and Leigh-like syndrome (MEGDEL). Also called: 3-METHYLGLUTACONIC ACIDURIA, TYPE VI; SERAC1 Deficiency; MEGDEL syndrome. Identifiers: Orphanet 352328, MedGen C4040739, MONDO:0013875, OMIM 614739.
SERAC1-related disorder. Also called: SERAC1-related condition; SERAC1-related disorders.

Allele frequency attached by ClinVar (database versions not stated): gnomAD exomes 0.00001 and 0.00005; ExAC 0.00008; TOPMed 0.00008; gnomAD 0.00011; ESP Exome Variant Server 0.00015; 1000 Genomes Project 30x 0.00016; 1000 Genomes Project 0.00020.
gnomAD v4.1: 42 of 1,613,216 alleles (0.0026%); highest among the groups gnomAD compares: African/African-American, 0.036%; no homozygotes.

Submissions (2):

Labcorp Genetics (formerly Invitae), Labcorp
Classification: Likely benign for 3-methylglutaconic aciduria with deafness, encephalopathy, and Leigh-like syndrome. Last evaluated: 2026-01-05. Review status: criteria provided, single submitter. Criteria: Invitae Variant Classification Sherloc (09022015). Collection method: clinical testing. Allele origin: germline.

PreventionGenetics, part of Exact Sciences
Classification: Likely benign for SERAC1-related condition. Last evaluated: 2025-09-14. Review status: criteria provided, single submitter. Criteria: ACMG Guidelines, 2015. Collection method: clinical testing. Allele origin: germline.
Comment: This variant is classified as likely benign based on ACMG/AMP sequence variant interpretation guidelines (Richards et al. 2015 PMID: 25741868, with internal and published modifications).

NM_032861.4(SERAC1):c.552C>T (p.Ser184=)

Gene: SERAC1 (serine active site containing 1; minus strand). Cytogenetic location: 6q25.3.
Variant type: single nucleotide variant.
Coding change: c.552C>T on transcript NM_032861.4 (MANE Select); coding-DNA position 552, C replaced by T.
Protein change: p.Ser184=; no amino-acid change (serine 184 retained).
Molecular consequence: synonymous variant. On other transcripts: non-coding transcript variant (1).
Genome position (GRCh38, 1-based): chr6:158,144,356, G>A on the plus strand (C>T on the coding strand, the complement: SERAC1 is on the minus strand). VCF-style: chr6-158144356-G-A. GRCh37 (hg19) VCF-style: chr6-158565388-G-A.
Other names: c.552C>T (NM_032861.3).
Identifiers: ClinVar variation 1613495 (VCV001613495.9), dbSNP rs140671987, ClinGen allele CA4071329.